The following is an entry in ClinVar:

ClinVar aggregate classification (germline): Likely benign (1 of 4 stars; one submission).

gnomAD v4.1: 17 of 1,613,858 alleles (0.0011%); highest among the groups gnomAD compares: Middle Eastern, 0.033%; no homozygotes.

Submission:

CeGaT Center for Human Genetics Tuebingen
Classification: Likely benign. Last evaluated: 2025-04-01. Review status: criteria provided, single submitter. Criteria: CeGaT Center For Human Genetics Tuebingen Variant Classification Criteria Version 2. Collection method: clinical testing. Allele origin: germline. Affected: yes. Observed: 1 variant allele.
Comment: KLC3: BP4, BP7

NM_177417.3(KLC3):c.1251C>T (p.Gly417=)

Genes: ERCC2 (ERCC excision repair 2, TFIIH core complex helicase subunit; minus strand), KLC3 (kinesin light chain 3; plus strand). Cytogenetic location: 19q13.32.
Variant type: single nucleotide variant.
Coding change: c.1251C>T on transcript NM_177417.3 (MANE Select); coding-DNA position 1251, C replaced by T.
Protein change: p.Gly417=; no amino-acid change (glycine 417 retained).
Molecular consequence: synonymous variant. On other transcripts: 3 prime UTR variant (1).
Genome position (GRCh38, 1-based): chr19:45,350,530, C>T. VCF-style: chr19-45350530-C-T. GRCh37 (hg19) VCF-style: chr19-45853788-C-T.
Other names: c.*1099G>A (NM_000400.4).
Identifiers: ClinVar variation 3898365 (VCV003898365.7).